The following is an entry in ClinVar:

ClinVar aggregate classification (germline): Uncertain significance (1 of 4 stars; one submission).

Conditions:
Frontotemporal dementia and/or amyotrophic lateral sclerosis 4. Also called: FTDALS4. Identifiers: Orphanet 275872, MedGen C4225325, MONDO:0014641, OMIM 616439.

Submission:

Labcorp Genetics (formerly Invitae), Labcorp
Classification: Uncertain significance for Frontotemporal dementia and/or amyotrophic lateral sclerosis 4. Last evaluated: 2022-03-29. Review status: criteria provided, single submitter. Criteria: Invitae Variant Classification Sherloc (09022015). Collection method: clinical testing. Allele origin: germline.
Comment: In summary, the available evidence is currently insufficient to determine the role of this variant in disease. Therefore, it has been classified as a Variant of Uncertain Significance. Advanced modeling of protein sequence and biophysical properties (such as structural, functional, and spatial information, amino acid conservation, physicochemical variation, residue mobility, and thermodynamic stability) performed at Invitae indicates that this missense variant is not expected to disrupt TBK1 protein function. ClinVar contains an entry for this variant (Variation ID: 1004314). This variant has not been reported in the literature in individuals affected with TBK1-related conditions. This variant is present in population databases (rs201332131, gnomAD 0.007%). This sequence change replaces valine, which is neutral and non-polar, with isoleucine, which is neutral and non-polar, at codon 421 of the TBK1 protein (p.Val421Ile).

NM_013254.4(TBK1):c.1261G>A (p.Val421Ile)

Gene: TBK1 (TANK binding kinase 1; plus strand). Cytogenetic location: 12q14.2.
Variant type: single nucleotide variant.
Coding change: c.1261G>A on transcript NM_013254.4 (MANE Select); coding-DNA position 1261, G replaced by A.
Protein change: p.Val421Ile; replaces valine 421 with isoleucine.
Molecular consequence: missense variant.
Genome position (GRCh38, 1-based): chr12:64,485,938, G>A. VCF-style: chr12-64485938-G-A. GRCh37 (hg19) VCF-style: chr12-64879718-G-A.
Other names: short protein forms V421I.
Identifiers: ClinVar variation 1004314 (VCV001004314.8), dbSNP rs201332131, ClinGen allele CA6669025.
Genomic context (GRCh38, chr12:64,485,938, plus strand): 5'-CCTATACCACAATTAGCACCAAATATTGACATTTTATTTCTTTATTAGGCAATAACAGGG[G>A]TTGTGTGTTATGCCTGCAGAATTGCCAGTACCTTACTGCTTTATCAGGAATTAATGCGAA-3'
Protein context (NP_037386.1, residues 411-431): DASMAKAITG[Val421Ile]VCYACRIAST